The following is an entry in ClinVar:

NM_000059.4(BRCA2):c.167del (p.Asn56fs)

Gene: BRCA2 (BRCA2 DNA repair associated; plus strand). Cytogenetic location: 13q13.1.
Variant type: Deletion.
Coding change: c.167del on transcript NM_000059.4 (MANE Select); coding-DNA position 167, one base deleted (A; older notation c.167delA).
Protein change: p.Asn56fs; shifts the reading frame from asparagine 56.
Molecular consequence: frameshift variant.
Genome position (GRCh38, 1-based): chr13:32,319,176, A deleted; the last of 2 consecutive A bases (chr13:32,319,175-32,319,176); deleting either gives the same sequence. VCF-style (leftmost placement, unchanged base first): chr13-32319174-CA-C. GRCh37 (hg19) VCF-style: chr13-32893311-CA-C.
Other names: short protein forms N56fs.
Identifiers: ClinVar variation 838042 (VCV000838042.11), dbSNP rs2072286254, ClinGen allele CA916080516.

ClinVar aggregate classification (germline): Pathogenic (1 of 4 stars; one submission).

Conditions:
Hereditary breast ovarian cancer syndrome. Also called: Hereditary breast and ovarian cancer syndrome (HBOC); Hereditary breast and ovarian cancer; Hereditary breast and/or ovarian cancer syndrome; Hereditary breast and ovarian cancer syndrome; Breast and ovarian cancer; BRCA1- and BRCA2-Associated Hereditary Breast and Ovarian Cancer. Identifiers: Orphanet 145, MedGen C0677776, MeSH D061325, MONDO:0003582. Disease mechanism: loss of function.

Submission:

Labcorp Genetics (formerly Invitae), Labcorp
Classification: Pathogenic for Hereditary breast ovarian cancer syndrome. Last evaluated: 2026-01-02. Review status: criteria provided, single submitter. Criteria: Invitae Variant Classification Sherloc (09022015). Collection method: clinical testing. Allele origin: germline.
Comment: This sequence change creates a premature translational stop signal (p.Asn56Ilefs*24) in the BRCA2 gene. It is expected to result in an absent or disrupted protein product. Loss-of-function variants in BRCA2 are known to be pathogenic (PMID: 20104584). This variant is not present in population databases (gnomAD no frequency). This variant has not been reported in the literature in individuals affected with BRCA2-related conditions. ClinVar contains an entry for this variant (Variation ID: 838042). For these reasons, this variant has been classified as Pathogenic.

Literature cited by the submitters: PubMed 20104584.